The following is an entry in ClinVar:

NM_001242896.3(DEPDC5):c.2105-10C>A

Gene: DEPDC5 (DEP domain containing 5, GATOR1 subcomplex subunit; plus strand). Cytogenetic location: 22q12.3.
Variant type: single nucleotide variant.
Coding change: c.2105-10C>A on transcript NM_001242896.3 (MANE Select); 10 bases into the intron before coding-DNA position 2105, C replaced by A.
Molecular consequence: intron variant.
Genome position (GRCh38, 1-based): chr22:31,833,905, C>A. VCF-style: chr22-31833905-C-A. GRCh37 (hg19) VCF-style: chr22-32229891-C-A.
Other names: c.2105-10C>A (NM_001364318.2, NM_001136029.4, NM_014662.6 and 3 more transcripts); c.1871-10C>A (NM_001363854.2, NM_001242897.2, NM_001364319.2); c.2021-10C>A (NM_001369902.1, NM_001369901.1).
Identifiers: ClinVar variation 2573911 (VCV002573911.4), dbSNP rs2519789292, ClinGen allele CA2577694709.

ClinVar aggregate classification (germline): Conflicting classifications of pathogenicity. Review status: criteria provided, conflicting classifications (1 of 4 stars). 2 submissions from 2 submitters: Uncertain significance (1); Likely benign (1). Last evaluated 2025-06-02.

Conditions:
Familial focal epilepsy with variable foci (FPEVF). Identifiers: Orphanet 98820, MedGen C1858477, MONDO:0020310.

Submissions (2):

Labcorp Genetics (formerly Invitae), Labcorp
Classification: Likely benign for Familial focal epilepsy with variable foci. Last evaluated: 2025-06-02. Review status: criteria provided, single submitter. Criteria: Invitae Variant Classification Sherloc (09022015). Collection method: clinical testing. Allele origin: germline.

GeneDx
Classification: Uncertain significance. Last evaluated: 2023-01-24. Review status: criteria provided, single submitter. Criteria: GeneDx Variant Classification Process June 2021. Collection method: clinical testing. Allele origin: germline. Affected: yes.
Comment: Not observed at significant frequency in large population cohorts (gnomAD); In silico analysis supports that this variant does not alter splicing; Has not been previously published as pathogenic or benign to our knowledge